The following is an entry in ClinVar:

NM_014861.4(ATP2C2):c.2328G>A (p.Ala776=)

Genes: ATP2C2 (ATPase secretory pathway Ca2+ transporting 2; plus strand), ATP2C2-AS1 (ATP2C2 antisense RNA 1; minus strand). Cytogenetic location: 16q24.1.
Variant type: single nucleotide variant.
Coding change: c.2328G>A on transcript NM_014861.4 (MANE Select); coding-DNA position 2328, G replaced by A.
Protein change: p.Ala776=; no amino-acid change (alanine 776 retained).
Molecular consequence: synonymous variant. On other transcripts: non-coding transcript variant (1).
Genome position (GRCh38, 1-based): chr16:84,459,381, G>A. VCF-style: chr16-84459381-G-A. GRCh37 (hg19) VCF-style: chr16-84492987-G-A.
Other names: c.2328G>A, p.Ala776= (NM_001286527.3); c.1875G>A, p.Ala625= (NM_001291454.2).
Identifiers: ClinVar variation 714138 (VCV000714138.28), dbSNP rs186839647, ClinGen allele CA8208078.

ClinVar aggregate classification (germline): Likely benign. Review status: criteria provided, multiple submitters, no conflicts (2 of 4 stars). 3 submissions from 3 submitters: Likely benign (3). Last evaluated 2022-10-01.

Allele frequency attached by ClinVar (database versions not stated): ESP Exome Variant Server 0.00016; gnomAD 0.00032 and 0.00038; TOPMed 0.00051; 1000 Genomes Project 30x 0.00125; 1000 Genomes Project 0.00140.
gnomAD v4.1: 389 of 1,613,886 alleles (0.024%); highest among the groups gnomAD compares: Middle Eastern, 0.58%; 1 homozygote.

Submissions (3):

CeGaT Center for Human Genetics Tuebingen
Classification: Likely benign. Last evaluated: 2022-10-01. Review status: criteria provided, single submitter. Criteria: CeGaT Center For Human Genetics Tuebingen Variant Classification Criteria Version 2. Collection method: clinical testing. Allele origin: germline. Affected: yes. Observed: 1 variant allele.
Comment: ATP2C2: BP4, BP7

Labcorp Genetics (formerly Invitae), Labcorp
Classification: Likely benign. Last evaluated: 2018-06-13. Review status: criteria provided, single submitter. Criteria: Invitae Variant Classification Sherloc (09022015). Collection method: clinical testing. Allele origin: germline.

Breakthrough Genomics
Classification: Likely benign. Review status: criteria provided, single submitter. Criteria: ACMG Guidelines, 2015. Collection method: not provided. Allele origin: germline. Inheritance: Unknown mechanism. Affected: yes.